The following is an entry in ClinVar:

ClinVar aggregate classification (germline): Benign (1 of 4 stars; one submission).

Conditions:
Spinocerebellar ataxia, autosomal recessive, with axonal neuropathy 1 (SCAN1). Identifiers: Orphanet 94124, MedGen C4759870, MONDO:0011801, OMIM 607250.

Allele frequency attached by ClinVar (database versions not stated): gnomAD 0.00400 and 0.00430; TOPMed 0.00475; 1000 Genomes Project 0.00539; 1000 Genomes Project 30x 0.00734.

Submission:

Illumina Laboratory Services, Illumina
Classification: Benign for Spinocerebellar ataxia, autosomal recessive, with axonal neuropathy 1. Last evaluated: 2018-01-13. Review status: criteria provided, single submitter. Criteria: ICSL Variant Classification Criteria 13 December 2019. Collection method: clinical testing. Allele origin: germline.
Comment: This variant was observed in the ICSL laboratory as part of a predisposition screen in an ostensibly healthy population. It had not been previously curated by ICSL or reported in the Human Gene Mutation Database (HGMD: prior to June 1st, 2018), and was therefore a candidate for classification through an automated scoring system. Utilizing variant allele frequency, disease prevalence and penetrance estimates, and inheritance mode, an automated score was calculated to assess if this variant is too frequent to cause the disease. Based on the score and internal cut-off values, a variant classified as benign is not then subjected to further curation. The score for this variant resulted in a classification of benign for this disease.

NM_018319.4(TDP1):c.*598G>A

Gene: TDP1 (tyrosyl-DNA phosphodiesterase 1; plus strand). Cytogenetic location: 14q32.11.
Variant type: single nucleotide variant.
Coding change: c.*598G>A on transcript NM_018319.4 (MANE Select); 598 bases downstream of the stop codon, G replaced by A.
Molecular consequence: 3 prime UTR variant.
Genome position (GRCh38, 1-based): chr14:90,043,741, G>A. VCF-style: chr14-90043741-G-A. GRCh37 (hg19) VCF-style: chr14-90510085-G-A.
Other names: c.*598G>A (NM_001008744.2); c.*579G>A (NM_001330205.2).
Identifiers: ClinVar variation 886063 (VCV000886063.4), dbSNP rs34083314, ClinGen allele CA264594182.